The following is an entry in ClinVar:

NM_001184.4(ATR):c.5295G>T (p.Glu1765Asp)

Gene: ATR (ATR checkpoint kinase; minus strand). Cytogenetic location: 3q23.
Variant type: single nucleotide variant.
Coding change: c.5295G>T on transcript NM_001184.4 (MANE Select); coding-DNA position 5295, G replaced by T.
Protein change: p.Glu1765Asp; replaces glutamic acid 1765 with aspartic acid.
Molecular consequence: missense variant.
Genome position (GRCh38, 1-based): chr3:142,499,712, C>A on the plus strand (G>T on the coding strand, the complement: ATR is on the minus strand). VCF-style: chr3-142499712-C-A. GRCh37 (hg19) VCF-style: chr3-142218554-C-A.
Other names: c.5103G>T, p.Glu1701Asp (NM_001354579.2); short protein forms E1701D, E1765D.
Identifiers: ClinVar variation 1463211 (VCV001463211.6), dbSNP rs2108344702, ClinGen allele CA354817372.
Genomic context (GRCh38, chr3:142,499,712, plus strand): 5'-ATCCCACTGTGACAATTTCCAAGCTGCTTCCACTCTGTACGTGTTTAATTCATCTGTCCA[C>A]TCGGACCTATTAAAAGAAACCCATATCAACTAAACTTTAATTTATTTAAGGTGACATTCA-3'
Protein context (NP_001175.2, residues 1755-1775): QVNGVHANRS[Glu1765Asp]WTDELNTYRV

ClinVar aggregate classification (germline): Uncertain significance (1 of 4 stars; one submission).

Submission:

Labcorp Genetics (formerly Invitae), Labcorp
Classification: Uncertain significance. Last evaluated: 2021-09-09. Review status: criteria provided, single submitter. Criteria: Invitae Variant Classification Sherloc (09022015). Collection method: clinical testing. Allele origin: germline.
Comment: In summary, the available evidence is currently insufficient to determine the role of this variant in disease. Therefore, it has been classified as a Variant of Uncertain Significance. Algorithms developed to predict the effect of missense changes on protein structure and function are either unavailable or do not agree on the potential impact of this missense change (SIFT: "Tolerated"; PolyPhen-2: "Possibly Damaging"; Align-GVGD: "Class C0"). This variant has not been reported in the literature in individuals affected with ATR-related conditions. This variant is not present in population databases (ExAC no frequency). This sequence change replaces glutamic acid with aspartic acid at codon 1765 of the ATR protein (p.Glu1765Asp). The glutamic acid residue is highly conserved and there is a small physicochemical difference between glutamic acid and aspartic acid.